The following is an entry in ClinVar:

NM_001710.6(CFB):c.1408+11A>T

Gene: CFB (complement factor B; plus strand). Cytogenetic location: 6p21.33.
Variant type: single nucleotide variant.
Coding change: c.1408+11A>T on transcript NM_001710.6 (MANE Select); 11 bases into the intron after coding-DNA position 1408, A replaced by T.
Molecular consequence: intron variant.
Genome position (GRCh38, 1-based): chr6:31,949,568, A>T. VCF-style: chr6-31949568-A-T. GRCh37 (hg19) VCF-style: chr6-31917345-A-T.
Identifiers: ClinVar variation 4280389 (VCV004280389.2).
Genomic context (GRCh38, chr6:31,949,568, plus strand): 5'-CAAAGTCAAGGATATGGAAAACCTGGAAGATGTTTTCTACCAAATGATCGGTAGGGAGAT[A>T]CAAGGGAATAAAGAACACAACTCTCCTCAGGTTCCCCTGAAGTAATTCATTCTTCCTCTA-3'

ClinVar aggregate classification (germline): Likely benign (1 of 4 stars; one submission).

Conditions:
Atypical hemolytic-uremic syndrome. Identifiers: Orphanet 2134, MedGen C2931788, MONDO:0016244.

Submission:

Genomenon, Inc
Classification: Likely benign for Atypical hemolytic-uremic syndrome. Last evaluated: 2026-09-17. Review status: criteria provided, single submitter. Criteria: Genomenon Sequence Variant Interpretation Standards - Updated. Collection method: curation. Allele origin: germline. Affected: no.
Comment: CFB c.1408+11A>T is an intronic variant located in intron 10. This variant has been reported in the published literature (PMID:22681773). It is absent or not present at a significant frequency in gnomAD. This variant is not predicted to impact splicing. In conclusion, we classify CFB c.1408+11A>T as a likely benign variant.

Literature cited by the submitters: PubMed 22681773.